The following is an entry in ClinVar:

NM_001243133.2(NLRP3):c.2519C>A (p.Ala840Glu)

Gene: NLRP3 (NLR family pyrin domain containing 3; plus strand). Cytogenetic location: 1q44.
Variant type: single nucleotide variant.
Coding change: c.2519C>A on transcript NM_001243133.2 (MANE Select); coding-DNA position 2519, C replaced by A.
Protein change: p.Ala840Glu; replaces alanine 840 with glutamic acid.
Molecular consequence: missense variant. On other transcripts: intron variant (2).
Genome position (GRCh38, 1-based): chr1:247,435,996, C>A. VCF-style: chr1-247435996-C-A. GRCh37 (hg19) VCF-style: chr1-247599298-C-A.
Other names: c.2519C>A, p.Ala840Glu (NM_001079821.3); c.2348C>A, p.Ala783Glu (NM_001127462.3); c.2525C>A, p.Ala842Glu (NM_004895.5); c.2492+1723C>A (NM_001127461.3); c.2321+1723C>A (NM_183395.3); short protein forms A783E, A840E, A842E.
Identifiers: ClinVar variation 1314472 (VCV001314472.3), dbSNP rs992612861, ClinGen allele CA40705756.

ClinVar aggregate classification (germline): Uncertain significance (1 of 4 stars; one submission).

Allele frequency attached by ClinVar (database versions not stated): TOPMed below 0.00001.

Submission:

GeneDx
Classification: Uncertain significance. Last evaluated: 2022-03-04. Review status: criteria provided, single submitter. Criteria: GeneDx Variant Classification Process June 2021. Collection method: clinical testing. Allele origin: germline. Affected: yes.
Comment: Not observed in large population cohorts (gnomAD); In silico analysis supports that this missense variant has a deleterious effect on protein structure/function; Has not been previously published as pathogenic or benign to our knowledge; Also known as A840E